The following is an entry in ClinVar:

ClinVar aggregate classification (germline): Likely benign. Review status: criteria provided, multiple submitters, no conflicts (2 of 4 stars). 6 submissions from 6 submitters: Likely benign (5). 1 of the submissions does not count toward it. Last evaluated 2026-01-15.

Conditions:
AGRN-related disorder. Also called: AGRN-related condition.
Congenital myasthenic syndrome 8. Also called: Myasthenic syndrome, congenital, 8, with pre- and postsynaptic defects; MYASTHENIC SYNDROME, CONGENITAL, DUE TO AGRIN DEFICIENCY. Identifiers: Orphanet 590, MedGen C3808739, MONDO:0014052, OMIM 615120.

Allele frequency attached by ClinVar (database versions not stated): ESP Exome Variant Server 0.00039; gnomAD exomes 0.00045 and 0.00072; gnomAD 0.00061; TOPMed 0.00076; 1000 Genomes Project 30x 0.00078; 1000 Genomes Project 0.00080; ExAC 0.00087.
gnomAD v4.1: 1,134 of 1,571,156 alleles (0.072%); highest among the groups gnomAD compares: Non-Finnish European, 0.086%; no homozygotes.

Submissions (6):

Labcorp Genetics (formerly Invitae), Labcorp
Classification: Likely benign for Congenital myasthenic syndrome 8. Last evaluated: 2026-01-15. Review status: criteria provided, single submitter. Criteria: Invitae Variant Classification Sherloc (09022015). Collection method: clinical testing. Allele origin: germline.

Blueprint Genetics
Classification: Likely benign. Last evaluated: 2024-07-12. Review status: criteria provided, single submitter. Criteria: ACMG Guidelines, 2015. Collection method: clinical testing. Allele origin: germline.

CeGaT Center for Human Genetics Tuebingen
Classification: Likely benign. Last evaluated: 2024-05-01. Review status: criteria provided, single submitter. Criteria: CeGaT Center For Human Genetics Tuebingen Variant Classification Criteria Version 2. Collection method: clinical testing. Allele origin: germline. Affected: yes. Observed: 2 variant alleles.
Comment: AGRN: BP4, BP7

GeneDx
Classification: Likely benign. Last evaluated: 2020-11-04. Review status: criteria provided, single submitter. Criteria: GeneDx Variant Classification Process June 2021. Collection method: clinical testing. Allele origin: germline. Affected: yes.

Breakthrough Genomics
Classification: Likely benign. Review status: criteria provided, single submitter. Criteria: ACMG Guidelines, 2015. Collection method: not provided. Allele origin: germline. Inheritance: Autosomal recessive inheritance. Affected: yes.

PreventionGenetics, part of Exact Sciences
Classification: Likely benign for AGRN-related condition. Last evaluated: 2019-11-07. Review status: no assertion criteria provided. Collection method: clinical testing. Allele origin: germline. Not counted in ClinVar's aggregate classification.
Comment: This variant is classified as likely benign based on ACMG/AMP sequence variant interpretation guidelines (Richards et al. 2015 PMID: 25741868, with internal and published modifications).

NM_198576.4(AGRN):c.4272G>A (p.Ala1424=)

Gene: AGRN (agrin; plus strand). Cytogenetic location: 1p36.33.
Variant type: single nucleotide variant.
Coding change: c.4272G>A on transcript NM_198576.4 (MANE Select); coding-DNA position 4272, G replaced by A.
Protein change: p.Ala1424=; no amino-acid change (alanine 1424 retained).
Molecular consequence: synonymous variant.
Genome position (GRCh38, 1-based): chr1:1,049,033, G>A. VCF-style: chr1-1049033-G-A. GRCh37 (hg19) VCF-style: chr1-984413-G-A.
Other names: c.4272G>A, p.Ala1424= (NM_001305275.2); c.3957G>A, p.Ala1319= (NM_001364727.2).
Identifiers: ClinVar variation 474130 (VCV000474130.41), dbSNP rs201470321, ClinGen allele CA509372.